The following is an entry in ClinVar:

NM_004237.4(TRIP13):c.759+1G>T

Gene: TRIP13 (thyroid hormone receptor interactor 13; plus strand). Cytogenetic location: 5p15.33.
Variant type: single nucleotide variant.
Coding change: c.759+1G>T on transcript NM_004237.4 (MANE Select); the canonical splice donor site of the intron after coding-DNA position 759, G replaced by T.
Molecular consequence: splice donor variant.
Genome position (GRCh38, 1-based): chr5:908,075, G>T. VCF-style: chr5-908075-G-T. GRCh37 (hg19) VCF-style: chr5-908190-G-T.
Other names: c.759+1G>T (NM_001166260.2).
Identifiers: ClinVar variation 1805254 (VCV001805254.1), dbSNP rs2531664455, ClinGen allele CA359038381.

ClinVar aggregate classification (germline): Uncertain significance (1 of 4 stars; one submission).

Conditions:
Mosaic variegated aneuploidy syndrome 3 (MVA3). Identifiers: MedGen C4539839, MONDO:0054736, OMIM 617598.

Submission:

Victorian Clinical Genetics Services, Murdoch Childrens Research Institute
Classification: Uncertain significance for Mosaic variegated aneuploidy syndrome 3. Last evaluated: 2022-06-24. Review status: criteria provided, single submitter. Criteria: ACMG Guidelines, 2015. Collection method: clinical testing. Allele origin: germline. Inheritance: Autosomal recessive inheritance. Affected: yes.
Comment: Based on the classification scheme VCGS_Germline_v1.3.4, this variant is classified as VUS-3A. Following criteria are met: 0102 - Loss of function is a known mechanism of disease in this gene. Null variants are associated with mosaic variegated aneuploidy syndrome 3 (MIM#617598), while only missense resulting in partial loss-of-function have been reported for oocyte maturation defect 9, (MIM#619011) (PMID: 28553959, 32473092). (I) 0106 - This gene is associated with autosomal recessive disease. (I) 0211 - Canonical splice site variant without proven consequence on splicing (no functional evidence available). (SP) 0251 - This variant is heterozygous. (I) 0301 - Variant is absent from gnomAD (both v2 and v3). (SP) 0311 - An alternative nucleotide change at the same canonical splice site, is present in gnomAD (v3: 1 heterozygote, 0 homozygotes). (I) 0505 - Abnormal splicing is predicted by in silico tools and affected nucleotide is highly conserved. (SP) 0705 - No comparable splice site variants have previous evidence for pathogenicity. (I) 0807 - This variant has no previous evidence of pathogenicity. (I) 0905 - No published segregation evidence has been identified for this variant. (I) 1007 - No published functional evidence has been identified for this variant. (I) 1102 - Strong phenotype match for this individual. (I) Legend: (SP) - Supporting pathogenic, (I) - Information, (SB) - Supporting benign

Literature cited by the submitters: PubMed 28553959; PubMed 32473092.